The following is an entry in ClinVar:

ClinVar aggregate classification (germline): Uncertain significance. Review status: criteria provided, multiple submitters, no conflicts (2 of 4 stars). 2 submissions from 2 submitters: Uncertain significance (2). Last evaluated 2024-12-18.

Conditions:
Sitosterolemia 1. Identifiers: MedGen C2749759, MONDO:0020747, OMIM 210250.

Allele frequency attached by ClinVar (database versions not stated): TOPMed 0.00002; ExAC 0.00002; gnomAD 0.00001.
gnomAD v4.1: 53 of 1,613,916 alleles (0.0033%); highest among the groups gnomAD compares: East Asian, 0.0089%; no homozygotes.

Submissions (2):

Revvity Omics, Revvity
Classification: Uncertain significance for Sitosterolemia 1. Last evaluated: 2024-12-18. Review status: criteria provided, single submitter. Criteria: ACMG Guidelines, 2015. Collection method: clinical testing. Allele origin: germline.

Labcorp Genetics (formerly Invitae), Labcorp
Classification: Uncertain significance. Last evaluated: 2023-04-09. Review status: criteria provided, single submitter. Criteria: Invitae Variant Classification Sherloc (09022015). Collection method: clinical testing. Allele origin: germline.
Comment: In summary, the available evidence is currently insufficient to determine the role of this variant in disease. Therefore, it has been classified as a Variant of Uncertain Significance. Advanced modeling of protein sequence and biophysical properties (such as structural, functional, and spatial information, amino acid conservation, physicochemical variation, residue mobility, and thermodynamic stability) performed at Invitae indicates that this missense variant is not expected to disrupt ABCG8 protein function. This missense change has been observed in individual(s) with clinical features of ABCG8-related disorders (PMID: 32088153). This variant is present in population databases (rs762908915, gnomAD 0.01%). This sequence change replaces alanine, which is neutral and non-polar, with threonine, which is neutral and polar, at codon 573 of the ABCG8 protein (p.Ala573Thr).

Literature cited by the submitters: PubMed 32088153 (cited by Labcorp Genetics (formerly Invitae), Labcorp).

NM_022437.3(ABCG8):c.1717G>A (p.Ala573Thr)

Gene: ABCG8 (ATP binding cassette subfamily G member 8; plus strand). Cytogenetic location: 2p21.
Variant type: single nucleotide variant.
Coding change: c.1717G>A on transcript NM_022437.3 (MANE Select); coding-DNA position 1717, G replaced by A.
Protein change: p.Ala573Thr; replaces alanine 573 with threonine.
Molecular consequence: missense variant.
Genome position (GRCh38, 1-based): chr2:43,875,374, G>A. VCF-style: chr2-43875374-G-A. GRCh37 (hg19) VCF-style: chr2-44102513-G-A.
Other names: c.1714G>A, p.Ala572Thr (NM_001357321.2); short protein forms A572T, A573T.
Identifiers: ClinVar variation 2741244 (VCV002741244.2), dbSNP rs762908915, ClinGen allele CA1637603.